The following is an entry in ClinVar:

ClinVar aggregate classification (germline): Uncertain significance. Review status: criteria provided, multiple submitters, no conflicts (2 of 4 stars). 4 submissions from 4 submitters: Uncertain significance (3). 1 of the submissions does not count toward it. Last evaluated 2025-03-31.

Conditions:
Mucopolysaccharidosis type 1. Also called: IDUA deficiency; MPS I; Mucopolysaccharidosis Type I. Identifiers: Orphanet 579, MedGen C0023786, MONDO:0001586.

Allele frequency attached by ClinVar (database versions not stated): gnomAD 0.00001; ExAC 0.00003; TOPMed 0.00005.
gnomAD v4.1: 8 of 1,612,320 alleles (0.0005%); highest among the groups gnomAD compares: Admixed American, 0.013%; no homozygotes.

Submissions (4):

Labcorp Genetics (formerly Invitae), Labcorp
Classification: Uncertain significance for Mucopolysaccharidosis type 1. Last evaluated: 2025-03-31. Review status: criteria provided, single submitter. Criteria: Invitae Variant Classification Sherloc (09022015). Collection method: clinical testing. Allele origin: germline.
Comment: This sequence change replaces valine, which is neutral and non-polar, with leucine, which is neutral and non-polar, at codon 573 of the IDUA protein (p.Val573Leu). This variant is present in population databases (rs146588560, gnomAD 0.003%). This variant has not been reported in the literature in individuals affected with IDUA-related conditions. ClinVar contains an entry for this variant (Variation ID: 1010469). An algorithm developed to predict the effect of missense changes on protein structure and function outputs the following: PolyPhen-2: "Benign". The leucine amino acid residue is found in multiple mammalian species, which suggests that this missense change does not adversely affect protein function. In summary, the available evidence is currently insufficient to determine the role of this variant in disease. Therefore, it has been classified as a Variant of Uncertain Significance.

Revvity Omics, Revvity
Classification: Uncertain significance. Last evaluated: 2023-08-25. Review status: criteria provided, single submitter. Criteria: ACMG Guidelines, 2015. Collection method: clinical testing. Allele origin: germline.

GeneDx
Classification: Uncertain significance. Last evaluated: 2019-04-24. Review status: criteria provided, single submitter. Criteria: GeneDx Variant Classification Process June 2021. Collection method: clinical testing. Allele origin: germline. Affected: yes.
Comment: Not observed at a significant frequency in large population cohorts (Lek et al., 2016); In silico analysis, which includes protein predictors and evolutionary conservation, supports that this variant does not alter protein structure/function; Has not been previously published as pathogenic or benign to our knowledge

Natera, Inc.
Classification: Uncertain significance for Mucopolysaccharidosis type I. Last evaluated: 2020-07-20. Review status: no assertion criteria provided. Collection method: clinical testing. Allele origin: germline. Not counted in ClinVar's aggregate classification.

NM_000203.5(IDUA):c.1717G>T (p.Val573Leu)

Gene: IDUA (alpha-L-iduronidase; plus strand). Cytogenetic location: 4p16.3.
Variant type: single nucleotide variant.
Coding change: c.1717G>T on transcript NM_000203.5 (MANE Select); coding-DNA position 1717, G replaced by T.
Protein change: p.Val573Leu; replaces valine 573 with leucine.
Molecular consequence: missense variant. On other transcripts: non-coding transcript variant (1).
Genome position (GRCh38, 1-based): chr4:1,003,615, G>T. VCF-style: chr4-1003615-G-T. GRCh37 (hg19) VCF-style: chr4-997403-G-T.
Other names: c.1321G>T, p.Val441Leu (NM_001363576.1); short protein forms V441L, V573L.
Identifiers: ClinVar variation 1010469 (VCV001010469.13), dbSNP rs146588560, ClinGen allele CA2802359.